The following is an entry in ClinVar:

NM_001206927.2(DNAH8):c.4610G>T (p.Arg1537Leu)

Gene: DNAH8 (dynein axonemal heavy chain 8; plus strand). Cytogenetic location: 6p21.2.
Variant type: single nucleotide variant.
Coding change: c.4610G>T on transcript NM_001206927.2 (MANE Select); coding-DNA position 4610, G replaced by T.
Protein change: p.Arg1537Leu; replaces arginine 1537 with leucine.
Molecular consequence: missense variant.
Genome position (GRCh38, 1-based): chr6:38,842,668, G>T. VCF-style: chr6-38842668-G-T. GRCh37 (hg19) VCF-style: chr6-38810444-G-T.
Other names: c.3959G>T, p.Arg1320Leu (NM_001371.4); short protein forms R1537L, R1320L.
Identifiers: ClinVar variation 525217 (VCV000525217.13), dbSNP rs375507271, ClinGen allele CA3789181.

ClinVar aggregate classification (germline): Uncertain significance. Review status: criteria provided, multiple submitters, no conflicts (2 of 4 stars). 2 submissions from 2 submitters: Uncertain significance (2). Last evaluated 2022-07-19.

Conditions:
Primary ciliary dyskinesia. Also called: Ciliary dyskinesia. Identifiers: Orphanet 244, MedGen C0008780, MONDO:0016575, HP:0012265.

gnomAD v4.1: 20 of 1,609,354 alleles (0.0012%); highest among the groups gnomAD compares: Non-Finnish European, 0.0017%; no homozygotes.

Submissions (2):

Labcorp Genetics (formerly Invitae), Labcorp
Classification: Uncertain significance for Primary ciliary dyskinesia. Last evaluated: 2022-07-19. Review status: criteria provided, single submitter. Criteria: Invitae Variant Classification Sherloc (09022015). Collection method: clinical testing. Allele origin: germline.
Comment: In summary, the available evidence is currently insufficient to determine the role of this variant in disease. Therefore, it has been classified as a Variant of Uncertain Significance. This variant has not been reported in the literature in individuals affected with DNAH8-related conditions. ClinVar contains an entry for this variant (Variation ID: 525217). Algorithms developed to predict the effect of missense changes on protein structure and function are either unavailable or do not agree on the potential impact of this missense change (SIFT: "Deleterious"; PolyPhen-2: "Not Available"; Align-GVGD: "Class C0"). This sequence change replaces arginine, which is basic and polar, with leucine, which is neutral and non-polar, at codon 1537 of the DNAH8 protein (p.Arg1537Leu). This variant is present in population databases (rs375507271, gnomAD 0.0009%).

UNC Molecular Genetics  Laboratory, University of North Carolina at Chapel Hill
Classification: Uncertain significance for Primary ciliary dyskinesia. Last evaluated: 2018-10-12. Review status: criteria provided, single submitter. Criteria: ACMG Guidelines, 2015. Collection method: clinical testing. Allele origin: germline. Observed: 1 compound heterozygote.